The following is an entry in ClinVar:

ClinVar aggregate classification (germline): Benign/Likely benign. Review status: criteria provided, multiple submitters, no conflicts (2 of 4 stars). 3 submissions from 3 submitters: Benign (1); Likely benign (1). 1 of the submissions does not count toward it. Last evaluated 2024-07-18.

Conditions:
IL7-related disorder. Also called: IL7-related condition.

Allele frequency attached by ClinVar (database versions not stated): gnomAD exomes 0.00040; ExAC 0.00046; 1000 Genomes Project 30x 0.00141; ESP Exome Variant Server 0.00146; gnomAD 0.00149 and 0.00155; TOPMed 0.00154; 1000 Genomes Project 0.00160.
gnomAD v4.1: 430 of 1,612,994 alleles (0.027%); highest among the groups gnomAD compares: African/African-American, 0.48%; 1 homozygote.

Submissions (3):

Blueprint Genetics
Classification: Likely benign. Last evaluated: 2024-07-18. Review status: criteria provided, single submitter. Criteria: ACMG Guidelines, 2015. Collection method: clinical testing. Allele origin: germline.

Labcorp Genetics (formerly Invitae), Labcorp
Classification: Benign. Last evaluated: 2018-01-11. Review status: criteria provided, single submitter. Criteria: Invitae Variant Classification Sherloc (09022015). Collection method: clinical testing. Allele origin: germline.

PreventionGenetics, part of Exact Sciences
Classification: Likely benign for IL7-related condition. Last evaluated: 2019-08-29. Review status: no assertion criteria provided. Collection method: clinical testing. Allele origin: germline. Not counted in ClinVar's aggregate classification.
Comment: This variant is classified as likely benign based on ACMG/AMP sequence variant interpretation guidelines (Richards et al. 2015 PMID: 25741868, with internal and published modifications).

NM_000880.4(IL7):c.10+7G>A

Gene: IL7 (interleukin 7; minus strand). Cytogenetic location: 8q21.13.
Variant type: single nucleotide variant.
Coding change: c.10+7G>A on transcript NM_000880.4 (MANE Select); 7 bases into the intron after coding-DNA position 10, G replaced by A.
Molecular consequence: intron variant.
Genome position (GRCh38, 1-based): chr8:78,804,906, C>T on the plus strand (G>A on the coding strand, the complement: IL7 is on the minus strand). VCF-style: chr8-78804906-C-T. GRCh37 (hg19) VCF-style: chr8-79717141-C-T.
Other names: c.10+7G>A (NM_001199888.2, NM_001199886.2, NM_001199887.2).
Identifiers: ClinVar variation 728954 (VCV000728954.6), dbSNP rs200025901, ClinGen allele CA4789422.